The following is an entry in ClinVar:

ClinVar aggregate classification (germline): Likely benign (0 of 4 stars; one submission).

Conditions:
RTTN-related disorder. Also called: RTTN-related condition.

Submission:

PreventionGenetics, part of Exact Sciences
Classification: Likely benign for RTTN-related condition. Last evaluated: 2024-07-09. Review status: no assertion criteria provided. Collection method: clinical testing. Allele origin: germline.
Comment: This variant is classified as likely benign based on ACMG/AMP sequence variant interpretation guidelines (Richards et al. 2015 PMID: 25741868, with internal and published modifications).

NM_173630.4(RTTN):c.4303-26_4303-10del

Gene: RTTN (rotatin; minus strand). Cytogenetic location: 18q22.2.
Variant type: Deletion.
Coding change: c.4303-26_4303-10del on transcript NM_173630.4 (MANE Select); 26 bases into the intron before coding-DNA position 4303 through 10 bases into the intron before coding-DNA position 4303, 17 bases deleted (TTTTTTTTTTTTTTTTA).
Molecular consequence: intron variant.
Genome position (GRCh38, 1-based): chr18:70,086,694-70,086,710, TAAAAAAAAAAAAAAAA deleted on the plus strand (TTTTTTTTTTTTTTTTA on the coding strand, the reverse complement: RTTN is on the minus strand). VCF-style (leftmost placement, unchanged base first): chr18-70086693-GTAAAAAAAAAAAAAAAA-G. GRCh37 (hg19) VCF-style: chr18-67753929-GTAAAAAAAAAAAAAAAA-G.
Other names: c.1567-26_1567-10del (NM_001318520.2).
Identifiers: ClinVar variation 3350079 (VCV003350079.1).